The following is an entry in ClinVar:

ClinVar aggregate classification (germline): Uncertain significance. Review status: criteria provided, multiple submitters, no conflicts (2 of 4 stars). 2 submissions from 2 submitters: Uncertain significance (2). Last evaluated 2024-02-15.

Conditions:
Fanconi anemia (FA). Also called: Fanconi's anemia. Identifiers: Orphanet 84, MedGen C0015625, MeSH D005199, MONDO:0019391.
Fanconi anemia complementation group D2. Also called: FANCD2-Related Fanconi Anemia; FANCONI PANCYTOPENIA, TYPE 4; FANCONI ANEMIA, COMPLEMENTATION GROUP D. Identifiers: Orphanet 84, MedGen C3160738, MONDO:0009214, OMIM 227646.

Submissions (2):

Fulgent Genetics
Classification: Uncertain significance for Fanconi anemia complementation group D2. Last evaluated: 2024-02-15. Review status: criteria provided, single submitter. Criteria: ACMG Guidelines, 2015. Collection method: clinical testing. Allele origin: germline.

Labcorp Genetics (formerly Invitae), Labcorp
Classification: Uncertain significance for Fanconi anemia. Last evaluated: 2023-11-20. Review status: criteria provided, single submitter. Criteria: Invitae Variant Classification Sherloc (09022015). Collection method: clinical testing. Allele origin: germline.
Comment: This sequence change replaces serine, which is neutral and polar, with proline, which is neutral and non-polar, at codon 35 of the FANCD2 protein (p.Ser35Pro). This variant is not present in population databases (gnomAD no frequency). This variant has not been reported in the literature in individuals affected with FANCD2-related conditions. ClinVar contains an entry for this variant (Variation ID: 1052041). Algorithms developed to predict the effect of missense changes on protein structure and function output the following: SIFT: "Not Available"; PolyPhen-2: "Benign"; Align-GVGD: "Not Available". The proline amino acid residue is found in multiple mammalian species, which suggests that this missense change does not adversely affect protein function. In summary, the available evidence is currently insufficient to determine the role of this variant in disease. Therefore, it has been classified as a Variant of Uncertain Significance.

NM_001018115.3(FANCD2):c.103T>C (p.Ser35Pro)

Genes: FANCD2 (FA complementation group D2; plus strand), LOC107303338 (3p25 FANCD2 Alu-mediated recombination region; plus strand). Cytogenetic location: 3p25.3.
Variant type: single nucleotide variant.
Coding change: c.103T>C on transcript NM_001018115.3 (MANE Select); coding-DNA position 103, T replaced by C.
Protein change: p.Ser35Pro; replaces serine 35 with proline.
Molecular consequence: missense variant.
Genome position (GRCh38, 1-based): chr3:10,032,870, T>C. VCF-style: chr3-10032870-T-C. GRCh37 (hg19) VCF-style: chr3-10074554-T-C.
Other names: c.103T>C, p.Ser35Pro (NM_001319984.2, NM_001374253.1, NM_001374254.1 and 2 more transcripts); c.103T>C (NM_033084.4); short protein forms S35P.
Identifiers: ClinVar variation 1052041 (VCV001052041.12), dbSNP rs773847165, ClinGen allele CA351718080.